The following is an entry in ClinVar:

ClinVar aggregate classification (germline): Conflicting classifications of pathogenicity. Review status: criteria provided, conflicting classifications (1 of 4 stars). 12 submissions from 11 submitters: Uncertain significance (2); Benign (3); Likely benign (3). 4 of the submissions do not count toward it. Last evaluated 2026-05-01.

Conditions:
CDH23-related disorder. Also called: CDH23-related condition; CDH23-related disorders.
Usher syndrome type 1 (USH1). Also called: RETINITIS PIGMENTOSA AND CONGENITAL DEAFNESS. Identifiers: Orphanet 231169, Orphanet 886, MedGen C1568247, MONDO:0010168, OMIM 276900.
Autosomal recessive nonsyndromic hearing loss 12. Also called: DEAFNESS, AUTOSOMAL RECESSIVE 12. Identifiers: Orphanet 90636, MedGen C1832394, MONDO:0011067, OMIM 601386.
Usher syndrome type 1D (USH1D). Also called: USHER SYNDROME, TYPE ID. Identifiers: Orphanet 231169, Orphanet 886, MedGen C1832845, MONDO:0010984, OMIM 601067.

Allele frequency attached by ClinVar (database versions not stated): ESP Exome Variant Server 0.00228; gnomAD 0.00278 and 0.00292; 1000 Genomes Project 30x 0.00297; 1000 Genomes Project 0.00319; TOPMed 0.00352.
gnomAD v4.1: 899 of 1,613,896 alleles (0.056%); highest among the groups gnomAD compares: African/African-American, 1%; 6 homozygotes.

Submissions (12):

CeGaT Center for Human Genetics Tuebingen
Classification: Likely benign. Last evaluated: 2026-05-01. Review status: criteria provided, single submitter. Criteria: CeGaT Center For Human Genetics Tuebingen Variant Classification Criteria Version 2. Collection method: clinical testing. Allele origin: germline. Affected: yes. Observed: 2 variant alleles.
Comment: CDH23: BP4, BP7, BS1

Labcorp Genetics (formerly Invitae), Labcorp
Classification: Benign. Last evaluated: 2026-01-25. Review status: criteria provided, single submitter. Criteria: Invitae Variant Classification Sherloc (09022015). Collection method: clinical testing. Allele origin: germline.

Blueprint Genetics
Classification: Likely benign. Last evaluated: 2024-11-26. Review status: criteria provided, single submitter. Criteria: ACMG Guidelines, 2015. Collection method: clinical testing. Allele origin: germline.

GeneDx
Classification: Benign. Last evaluated: 2019-06-26. Review status: criteria provided, single submitter. Criteria: GeneDx Variant Classification Process June 2021. Collection method: clinical testing. Allele origin: germline. Affected: yes.

Eurofins Ntd Llc (ga)
Classification: Likely benign. Last evaluated: 2018-07-06. Review status: criteria provided, single submitter. Criteria: EGL ClinVar v180209 classification definitions. Collection method: clinical testing. Allele origin: germline. Observed: 3 variant alleles, 3 heterozygotes.

Illumina Laboratory Services, Illumina
Classification: Uncertain significance for Autosomal recessive nonsyndromic hearing loss 12. Last evaluated: 2018-01-12. Review status: criteria provided, single submitter. Criteria: ICSL Variant Classification Criteria 13 December 2019. Collection method: clinical testing. Allele origin: germline.

Illumina Laboratory Services, Illumina
Classification: Uncertain significance for Usher syndrome type 1D. Last evaluated: 2018-01-12. Review status: criteria provided, single submitter. Criteria: ICSL Variant Classification Criteria 13 December 2019. Collection method: clinical testing. Allele origin: germline.

Laboratory for Molecular Medicine, Mass General Brigham Personalized Medicine
Classification: Benign. Last evaluated: 2012-04-30. Review status: criteria provided, single submitter. Criteria: LMM Criteria. Collection method: clinical testing. Allele origin: germline. Observed: 4 variant alleles.
Comment: Thr3167Thr in Exon 67 of CDH23: This variant is not expected to have clinical si gnificance because it does not alter an amino acid residue, is not located withi n the splice consensus sequence, and has been identified in 0.6% (21/3282) of Af rican American chromosomes from a broad population by the NHLBI Exome Sequencing Project (dbSNP rs144906721).

Natera, Inc.
Classification: Benign for Usher syndrome type 1. Last evaluated: 2020-09-16. Review status: no assertion criteria provided. Collection method: clinical testing. Allele origin: germline. Not counted in ClinVar's aggregate classification.

PreventionGenetics, part of Exact Sciences
Classification: Benign for CDH23-related condition. Last evaluated: 2019-07-15. Review status: no assertion criteria provided. Collection method: clinical testing. Allele origin: germline. Not counted in ClinVar's aggregate classification.
Comment: This variant is classified as benign based on ACMG/AMP sequence variant interpretation guidelines (Richards et al. 2015 PMID: 25741868, with internal and published modifications).

Clinical Genetics DNA and cytogenetics Diagnostics Lab, Erasmus MC, Erasmus Medical Center
Classification: Likely benign. Review status: no assertion criteria provided. Collection method: clinical testing. Allele origin: germline. Affected: yes. Study: VKGL Data-share Consensus. Not counted in ClinVar's aggregate classification.

Clinical Genetics, Academic Medical Center
Classification: Likely benign. Review status: no assertion criteria provided. Collection method: clinical testing. Allele origin: germline. Affected: yes. Study: VKGL Data-share Consensus. Not counted in ClinVar's aggregate classification.

NM_022124.6(CDH23):c.9501G>A (p.Thr3167=)

Gene: CDH23 (cadherin related 23; plus strand). Cytogenetic location: 10q22.1.
Variant type: single nucleotide variant.
Coding change: c.9501G>A on transcript NM_022124.6 (MANE Select); coding-DNA position 9501, G replaced by A.
Protein change: p.Thr3167=; no amino-acid change (threonine 3167 retained).
Molecular consequence: synonymous variant.
Genome position (GRCh38, 1-based): chr10:71,812,600, G>A. VCF-style: chr10-71812600-G-A. GRCh37 (hg19) VCF-style: chr10-73572357-G-A.
Other names: c.2781G>A, p.Thr927= (NM_001171933.1, NM_001171934.1); c.192G>A, p.Thr64= (NM_001171935.1, NM_001171936.1).
Identifiers: ClinVar variation 46074 (VCV000046074.35), dbSNP rs144906721, ClinGen allele CA137640.